The following is an entry in ClinVar:

NM_001018113.3(FANCB):c.41G>A (p.Arg14Lys)

Gene: FANCB (FA complementation group B; minus strand). Cytogenetic location: Xp22.2.
Variant type: single nucleotide variant.
Coding change: c.41G>A on transcript NM_001018113.3 (MANE Select); coding-DNA position 41, G replaced by A.
Protein change: p.Arg14Lys; replaces arginine 14 with lysine.
Molecular consequence: missense variant. On other transcripts: non-coding transcript variant (1).
Genome position (GRCh38, 1-based): chrX:14,865,470, C>T on the plus strand (G>A on the coding strand, the complement: FANCB is on the minus strand). VCF-style: chrX-14865470-C-T. GRCh37 (hg19) VCF-style: chrX-14883592-C-T.
Other names: c.41G>A, p.Arg14Lys (NM_001324162.2, NM_001410764.1, NM_152633.4); short protein forms R14K.
Identifiers: ClinVar variation 2072730 (VCV002072730.4), dbSNP rs753239814, ClinGen allele CA10353238.

ClinVar aggregate classification (germline): Conflicting classifications of pathogenicity. Review status: criteria provided, conflicting classifications (1 of 4 stars). 3 submissions from 3 submitters: Uncertain significance (2); Likely benign (1). Last evaluated 2024-10-29.

Conditions:
Inborn genetic diseases. Identifiers: MedGen C0950123, MeSH D030342.
Fanconi anemia (FA). Also called: Fanconi's anemia. Identifiers: Orphanet 84, MedGen C0015625, MeSH D005199, MONDO:0019391.
Fanconi anemia complementation group B (FANCB). Also called: FANCB-Related Fanconi Anemia; FANCONI PANCYTOPENIA, TYPE 2. Identifiers: Orphanet 84, MedGen C1845292, MONDO:0010351, OMIM 300514.

Allele frequency attached by ClinVar (database versions not stated): gnomAD exomes below 0.00001; ExAC 0.00001.

Submissions (3):

Labcorp Genetics (formerly Invitae), Labcorp
Classification: Uncertain significance for Fanconi anemia. Last evaluated: 2024-10-29. Review status: criteria provided, single submitter. Criteria: Invitae Variant Classification Sherloc (09022015). Collection method: clinical testing. Allele origin: germline.
Comment: This sequence change replaces arginine, which is basic and polar, with lysine, which is basic and polar, at codon 14 of the FANCB protein (p.Arg14Lys). This variant is present in population databases (rs753239814, gnomAD 0.02%). This variant has not been reported in the literature in individuals affected with FANCB-related conditions. ClinVar contains an entry for this variant (Variation ID: 2072730). Invitae Evidence Modeling of protein sequence and biophysical properties (such as structural, functional, and spatial information, amino acid conservation, physicochemical variation, residue mobility, and thermodynamic stability) indicates that this missense variant is not expected to disrupt FANCB protein function with a negative predictive value of 80%. In summary, the available evidence is currently insufficient to determine the role of this variant in disease. Therefore, it has been classified as a Variant of Uncertain Significance.

Fulgent Genetics
Classification: Uncertain significance for Fanconi anemia complementation group B. Last evaluated: 2024-03-02. Review status: criteria provided, single submitter. Criteria: ACMG Guidelines, 2015. Collection method: clinical testing. Allele origin: germline.

Ambry Genetics
Classification: Likely benign for Inborn genetic diseases. Last evaluated: 2024-01-08. Review status: criteria provided, single submitter. Criteria: Ambry Variant Classification Scheme 2023. Collection method: clinical testing. Allele origin: germline.